The following is an entry in ClinVar:

ClinVar aggregate classification (germline): Uncertain significance. Review status: criteria provided, multiple submitters, no conflicts (2 of 4 stars). 2 submissions from 2 submitters: Uncertain significance (2). Last evaluated 2025-08-24.

Conditions:
Inborn genetic diseases. Identifiers: MedGen C0950123, MeSH D030342.

Submissions (2):

Ambry Genetics
Classification: Uncertain significance for Inborn genetic diseases. Last evaluated: 2025-08-24. Review status: criteria provided, single submitter. Criteria: Ambry Variant Classification Scheme 2023. Collection method: clinical testing. Allele origin: germline.

Labcorp Genetics (formerly Invitae), Labcorp
Classification: Uncertain significance. Last evaluated: 2022-06-29. Review status: criteria provided, single submitter. Criteria: Invitae Variant Classification Sherloc (09022015). Collection method: clinical testing. Allele origin: germline.
Comment: In summary, the available evidence is currently insufficient to determine the role of this variant in disease. Therefore, it has been classified as a Variant of Uncertain Significance. Algorithms developed to predict the effect of missense changes on protein structure and function (SIFT, PolyPhen-2, Align-GVGD) all suggest that this variant is likely to be tolerated. This variant has not been reported in the literature in individuals affected with TUBB2B-related conditions. This variant is not present in population databases (gnomAD no frequency). This sequence change replaces alanine, which is neutral and non-polar, with serine, which is neutral and polar, at codon 63 of the TUBB2B protein (p.Ala63Ser).

NM_178012.5(TUBB2B):c.187G>T (p.Ala63Ser)

Gene: TUBB2B (tubulin beta 2B class IIb; minus strand). Cytogenetic location: 6p25.2.
Variant type: single nucleotide variant.
Coding change: c.187G>T on transcript NM_178012.5 (MANE Select); coding-DNA position 187, G replaced by T.
Protein change: p.Ala63Ser; replaces alanine 63 with serine.
Molecular consequence: missense variant.
Genome position (GRCh38, 1-based): chr6:3,226,249, C>A on the plus strand (G>T on the coding strand, the complement: TUBB2B is on the minus strand). VCF-style: chr6-3226249-C-A. GRCh37 (hg19) VCF-style: chr6-3226483-C-A.
Other names: c.187G>T (NM_178012.4); short protein forms A63S.
Identifiers: ClinVar variation 1933811 (VCV001933811.6), dbSNP rs2533618439, ClinGen allele CA362589740.
Genomic context (GRCh38, chr6:3,226,249, plus strand): 5'-GGCCGAATGGTCCAGACCTAACCGAATCCATCGTGCCTGGCTCCAGATCCACGAGGATGG[C>A]CCGAGGAACATATTTGTTACCTGCAAGGAACAACAGTGACTTAGACCCTCAGGCAAGGAC-3'
Protein context (NP_821080.1, residues 53-73): EATGNKYVPR[Ala63Ser]ILVDLEPGTM